The following is an entry in ClinVar:

NM_000372.5(TYR):c.454C>T (p.Pro152Ser)

Gene: TYR (tyrosinase; plus strand). Cytogenetic location: 11q14.3.
Variant type: single nucleotide variant.
Coding change: c.454C>T on transcript NM_000372.5 (MANE Select); coding-DNA position 454, C replaced by T.
Protein change: p.Pro152Ser; replaces proline 152 with serine.
Molecular consequence: missense variant.
Genome position (GRCh38, 1-based): chr11:89,178,407, C>T. VCF-style: chr11-89178407-C-T. GRCh37 (hg19) VCF-style: chr11-88911575-C-T.
Other names: short protein forms P152S.
Identifiers: ClinVar variation 883341 (VCV000883341.17), dbSNP rs145513733, ClinGen allele CA6221112.

ClinVar aggregate classification (germline): Conflicting classifications of pathogenicity. Review status: criteria provided, conflicting classifications (1 of 4 stars). 5 submissions from 5 submitters: Uncertain significance (4); Benign (1). Last evaluated 2026-01-27.

Conditions:
Oculocutaneous albinism. Identifiers: Orphanet 55, MedGen C0078918, MONDO:0018910.

Allele frequency attached by ClinVar (database versions not stated): gnomAD 0.00023 and 0.00024; TOPMed 0.00026; gnomAD exomes 0.00016 and 0.00035; ExAC 0.00027; ESP Exome Variant Server 0.00023.
gnomAD v4.1: 302 of 1,613,986 alleles (0.019%); highest among the groups gnomAD compares: Non-Finnish European, 0.0035%; 1 homozygote.

Submissions (5):

Labcorp Genetics (formerly Invitae), Labcorp
Classification: Benign. Last evaluated: 2026-01-27. Review status: criteria provided, single submitter. Criteria: Invitae Variant Classification Sherloc (09022015). Collection method: clinical testing. Allele origin: germline.

Blueprint Genetics
Classification: Uncertain significance. Last evaluated: 2024-08-07. Review status: criteria provided, single submitter. Criteria: ACMG Guidelines, 2015. Collection method: clinical testing. Allele origin: germline.

Revvity Omics, Revvity
Classification: Uncertain significance. Last evaluated: 2021-10-01. Review status: criteria provided, single submitter. Criteria: ACMG Guidelines, 2015. Collection method: clinical testing. Allele origin: germline.

Genetic Services Laboratory, University of Chicago
Classification: Uncertain significance. Last evaluated: 2017-11-20. Review status: criteria provided, single submitter. Criteria: ACMG Guidelines, 2015. Collection method: clinical testing. Allele origin: germline. Affected: no.

Illumina Laboratory Services, Illumina
Classification: Uncertain significance for Oculocutaneous albinism. Last evaluated: 2017-04-28. Review status: criteria provided, single submitter. Criteria: ICSL Variant Classification Criteria 13 December 2019. Collection method: clinical testing. Allele origin: germline.
Comment: This variant was observed as part of a predisposition screen in an ostensibly healthy population. A literature search was performed for the gene, cDNA change, and amino acid change (where applicable). Publications were found based on this search. However, the evidence from the literature, in combination with allele frequency data from public databases where available, was not sufficient to rule this variant in or out of causing disease. Therefore, this variant is classified as a variant of unknown significance.

Literature cited by the submitters: PubMed 10094567 (cited by Illumina Laboratory Services, Illumina); PubMed 18463683 (cited by Illumina Laboratory Services, Illumina); PubMed 8128955 (cited by Illumina Laboratory Services, Illumina).